The following is an entry in ClinVar:

NM_173660.5(DOK7):c.743_746dup (p.His250fs)

Genes: DOK7 (docking protein 7; plus strand), LOC129992118 (ATAC-STARR-seq lymphoblastoid silent region 15206; plus strand). Cytogenetic location: 4p16.3.
Variant type: Microsatellite.
Coding change: c.743_746dup on transcript NM_173660.5 (MANE Select); coding-DNA positions 743 to 746, 4 bases duplicated (TCTC; older notation c.743_746dupTCTC).
Protein change: p.His250fs; shifts the reading frame from histidine 250.
Molecular consequence: frameshift variant. On other transcripts: 5 prime UTR variant (1).
Genome position (GRCh38, 1-based): chr4:3,489,767-3,489,770, TCTC duplicated; duplicating any 4 consecutive bases within chr4:3,489,766-3,489,770 gives the same sequence; the c. name uses the placement nearest the transcript's 3' end. VCF-style (leftmost placement, unchanged base first): chr4-3489765-C-CCTCT. GRCh37 (hg19) VCF-style: chr4-3491492-C-CCTCT.
Other names: c.732_735dup, p.Thr246fs (NM_001164673.2); c.-188TC[4] (NM_001256896.2); c.743_746dup, p.His250fs (NM_001301071.2); c.311_314dup, p.His106fs (NM_001363811.2); short protein forms H106fs, T246fs, H250fs.
Identifiers: ClinVar variation 583395 (VCV000583395.10), dbSNP rs1560224831, ClinGen allele CA891843094.

ClinVar aggregate classification (germline): Pathogenic/Likely pathogenic. Review status: criteria provided, multiple submitters, no conflicts (2 of 4 stars). 2 submissions from 2 submitters: Pathogenic (1); Likely pathogenic (1). Last evaluated 2023-10-05.

Conditions:
Fetal akinesia deformation sequence 3. Identifiers: MedGen C4760599, MONDO:0100103, OMIM 618389.
Congenital myasthenic syndrome 10. Also called: Myasthenia, limb-girdle, familial. Identifiers: Orphanet 590, MedGen C1850792, MONDO:0009690, OMIM 254300.
Fetal akinesia deformation sequence 1 (FADS1). Also called: Pena-Shokeir syndrome type I; Fetal akinesia sequence. Identifiers: Orphanet 994, MedGen C1276035, MONDO:0100101, OMIM 208150, HP:0001989.

Submissions (2):

Baylor Genetics
Classification: Likely pathogenic for Fetal akinesia deformation sequence 3. Last evaluated: 2023-10-05. Review status: criteria provided, single submitter. Criteria: ACMG Guidelines, 2015. Collection method: clinical testing. Allele origin: unknown.

Labcorp Genetics (formerly Invitae), Labcorp
Classification: Pathogenic for Congenital myasthenic syndrome 10; Fetal akinesia deformation sequence 1. Last evaluated: 2022-06-04. Review status: criteria provided, single submitter. Criteria: Invitae Variant Classification Sherloc (09022015). Collection method: clinical testing. Allele origin: germline.
Comment: This variant has not been reported in the literature in individuals affected with DOK7-related conditions. This variant is not present in population databases (gnomAD no frequency). This sequence change creates a premature translational stop signal (p.His250Leufs*12) in the DOK7 gene. While this is not anticipated to result in nonsense mediated decay, it is expected to disrupt the last 255 amino acid(s) of the DOK7 protein. This variant disrupts a region of the DOK7 protein in which other variant(s) (p.Ala378Serfs*30) have been determined to be pathogenic (PMID: 16917026, 18165682, 18626973, 22661499, 25237101). This suggests that this is a clinically significant region of the protein, and that variants that disrupt it are likely to be disease-causing. For these reasons, this variant has been classified as Pathogenic.

Literature cited by the submitters: PubMed 16917026 (cited by Labcorp Genetics (formerly Invitae), Labcorp); PubMed 18165682 (cited by Labcorp Genetics (formerly Invitae), Labcorp); PubMed 18626973 (cited by Labcorp Genetics (formerly Invitae), Labcorp); PubMed 22661499 (cited by Labcorp Genetics (formerly Invitae), Labcorp); PubMed 25237101 (cited by Labcorp Genetics (formerly Invitae), Labcorp).